The following is an entry in ClinVar:

ClinVar aggregate classification (germline): Uncertain significance (1 of 4 stars; one submission).

Conditions:
SEMA3C-related disorder. Also called: SEMA3C-related condition.

Submission:

PreventionGenetics, part of Exact Sciences
Classification: Uncertain significance for SEMA3C-related condition. Last evaluated: 2025-10-20. Review status: criteria provided, single submitter. Criteria: ACMG Guidelines, 2015. Collection method: clinical testing. Allele origin: germline.
Comment: The SEMA3C c.1798G>A variant is predicted to result in the amino acid substitution p.Gly600Arg. To our knowledge, this variant has not been reported in the literature or in a large population database, indicating this variant is rare. At this time, the clinical significance of this variant is uncertain due to the absence of conclusive functional and genetic evidence.

NM_006379.5(SEMA3C):c.1744G>A (p.Gly582Arg)

Gene: SEMA3C (semaphorin 3C; minus strand). Cytogenetic location: 7q21.11.
Variant type: single nucleotide variant.
Coding change: c.1744G>A on transcript NM_006379.5 (MANE Select); coding-DNA position 1744, G replaced by A.
Protein change: p.Gly582Arg; replaces glycine 582 with arginine.
Molecular consequence: missense variant.
Genome position (GRCh38, 1-based): chr7:80,748,996, C>T on the plus strand (G>A on the coding strand, the complement: SEMA3C is on the minus strand). VCF-style: chr7-80748996-C-T. GRCh37 (hg19) VCF-style: chr7-80378312-C-T.
Other names: c.1798G>A, p.Gly600Arg (NM_001350120.2); c.1570G>A, p.Gly524Arg (NM_001350121.2); short protein forms G524R, G600R, G582R.
Identifiers: ClinVar variation 4995147 (VCV004995147.1).